The following is an entry in ClinVar:

NM_000238.4(KCNH2):c.-25C>T

Gene: KCNH2 (potassium voltage-gated channel subfamily H member 2; minus strand). Cytogenetic location: 7q36.1.
Variant type: single nucleotide variant.
Coding change: c.-25C>T on transcript NM_000238.4 (MANE Select); 25 bases upstream of the start codon, C replaced by T.
Molecular consequence: 5 prime UTR variant.
Genome position (GRCh38, 1-based): chr7:150,977,938, G>A on the plus strand (C>T on the coding strand, the complement: KCNH2 is on the minus strand). VCF-style: chr7-150977938-G-A. GRCh37 (hg19) VCF-style: chr7-150675026-G-A.
Other names: c.-25C>T (NM_172056.3).
Identifiers: ClinVar variation 517035 (VCV000517035.3), dbSNP rs759013707, ClinGen allele CA033397.
Genomic context (GRCh38, chr7:150,977,938, plus strand): 5'-GTTCTGCGGCGCGACGTGGCCCCTCCGCACCGGCATCCTGAGCCCATGGGCGGGCCGGGC[G>A]GGCCCCCACCCACCCCGGCCCGGCCCGGCCCAGCACTAGGCTTCGGGTGGCCCGGCCGGG-3'

ClinVar aggregate classification (germline): Likely benign (1 of 4 stars; one submission).

Allele frequency attached by ClinVar (database versions not stated): TOPMed 0.00001; ExAC below 0.00001.

Submission:

GeneDx
Classification: Likely benign. Last evaluated: 2017-12-22. Review status: criteria provided, single submitter. Criteria: GeneDx Variant Classification (06012015). Collection method: clinical testing. Allele origin: germline. Affected: yes.
Comment: This variant is considered likely benign or benign based on one or more of the following criteria: it is a conservative change, it occurs at a poorly conserved position in the protein, it is predicted to be benign by multiple in silico algorithms, and/or has population frequency not consistent with disease.